The following is an entry in ClinVar:

ClinVar aggregate classification (germline): Pathogenic (1 of 4 stars; one submission).

Conditions:
Hereditary nonpolyposis colorectal neoplasms. Identifiers: MedGen C0009405, MeSH D003123.

Submission:

Labcorp Genetics (formerly Invitae), Labcorp
Classification: Pathogenic for Hereditary nonpolyposis colorectal neoplasms. Last evaluated: 2024-01-25. Review status: criteria provided, single submitter. Criteria: Invitae Variant Classification Sherloc (09022015). Collection method: clinical testing. Allele origin: germline.
Comment: This sequence change inserts a large fragment of DNA, likely a transposable element, in exon 4 of the MSH6 gene (c.666_667ins?), causing a frameshift at codon 223 (p.Asn223fs). The exact size and sequence of the insertion cannot be determined by the current assay. However, the insertion is expected to result in an absent or disrupted protein product. This variant is not present in population databases (gnomAD no frequency). This variant has not been reported in the literature in individuals affected with MSH6-related conditions. Retrotransposon insertions including LINE1 (L1), Alu, and SVA (SINE-VNTR-Alu) have been reported to be disease-causing through disruption of either a coding region or splice site (PMID: 19763152, 20307669, 22406018) and loss-of-function variants in MSH6 are known to be pathogenic (PMID: 18269114, 24362816). For these reasons, this variant has been classified as Pathogenic.

Literature cited by the submitters: PubMed 19763152; PubMed 20307669; PubMed 22406018; PubMed 18269114; PubMed 24362816.

NM_000179.3(MSH6):c.666_667insGGCCGGGCGCGGTGGCTCACGCCTGTAATCCCAGCACTTTGGGAGGCCGAGGCGGGTGGATCATGAGGACANNNNNNNNNNAAAAAAAAAAAAAAAAAAAAAAGAGTGAAGAAGAT (p.Asn223delinsGlyArgAlaArgTrpLeuThrProValIleProAlaLeuTrpGluAlaGluAlaGlyGlySerTer)

Gene: MSH6 (mutS homolog 6; plus strand). Cytogenetic location: 2p16.3.
Variant type: Insertion.
Coding change: c.666_667insGGCCGGGCGCGGTGGCTCACGCCTGTAATCCCAGCACTTTGGGAGGCCGAGGCGGGTGGATCATGAGGACANNNNNNNNNNAAAAAAAAAAAAAAAAAAAAAAGAGTGAAGAAGAT on transcript NM_000179.3 (MANE Select); coding-DNA positions 666 to 667, GGCCGGGCGCGGTGGCTCACGCCTGTAATCCCAGCACTTTGGGAGGCCGAGGCGGGTGGATCATGAGGACANNNNNNNNNNAAAAAAAAAAAAAAAAAAAAAAGAGTGAAGAAGAT inserted.
Protein change: p.Asn223delinsGlyArgAlaArgTrpLeuThrProValIleProAlaLeuTrpGluAlaGluAlaGlyGlySerTer.
Molecular consequence: nonsense. On other transcripts: 5 prime UTR variant (9), non-coding transcript variant (4), intron variant (1).
Genome position: GRCh38: chr2:47,798,649-47,798,650. GRCh37 (hg19): chr2:48,025,788-48,025,789.
Other names: c.276_277insGGCCGGGCGCGGTGGCTCACGCCTGTAATCCCAGCACTTTGGGAGGCCGAGGCGGGTGGATCATGAGGACANNNNNNNNNNAAAAAAAAAAAAAAAAAAAAAAGAGTGAAGAAGAT, p.Asn93delinsGlyArgAlaArgTrpLeuThrProValIleProAlaLeuTrpGluAlaGluAlaGlyGlySerTer (NM_001281492.2); c.-241_-240insGGCCGGGCGCGGTGGCTCACGCCTGTAATCCCAGCACTTTGGGAGGCCGAGGCGGGTGGATCATGAGGACANNNNNNNNNNAAAAAAAAAAAAAAAAAAAAAAGAGTGAAGAAGAT (NM_001281493.2, NM_001406811.1, NM_001406812.1 and 6 more transcripts); c.141_142insGGCCGGGCGCGGTGGCTCACGCCTGTAATCCCAGCACTTTGGGAGGCCGAGGCGGGTGGATCATGAGGACANNNNNNNNNNAAAAAAAAAAAAAAAAAAAAAAGAGTGAAGAAGAT, p.Asn48delinsGlyArgAlaArgTrpLeuThrProValIleProAlaLeuTrpGluAlaGluAlaGlyGlySerTer (NM_001406807.1, NM_001406799.1, NM_001406806.1); c.666_667insGGCCGGGCGCGGTGGCTCACGCCTGTAATCCCAGCACTTTGGGAGGCCGAGGCGGGTGGATCATGAGGACANNNNNNNNNNAAAAAAAAAAAAAAAAAAAAAAGAGTGAAGAAGAT, p.Asn223delinsGlyArgAlaArgTrpLeuThrProValIleProAlaLeuTrpGluAlaGluAlaGlyGlySerTer (NM_001406808.1, NM_001406809.1, NM_001406796.1 and 4 more transcripts); c.672_673insGGCCGGGCGCGGTGGCTCACGCCTGTAATCCCAGCACTTTGGGAGGCCGAGGCGGGTGGATCATGAGGACANNNNNNNNNNAAAAAAAAAAAAAAAAAAAAAAGAGTGAAGAAGAT, p.Asn225delinsGlyArgAlaArgTrpLeuThrProValIleProAlaLeuTrpGluAlaGluAlaGlyGlySerTer (NM_001406813.1); c.762_763insGGCCGGGCGCGGTGGCTCACGCCTGTAATCCCAGCACTTTGGGAGGCCGAGGCGGGTGGATCATGAGGACANNNNNNNNNNAAAAAAAAAAAAAAAAAAAAAAGAGTGAAGAAGAT, p.Asn255delinsGlyArgAlaArgTrpLeuThrProValIleProAlaLeuTrpGluAlaGluAlaGlyGlySerTer (NM_001406795.1, NM_001406802.1); c.369_370insGGCCGGGCGCGGTGGCTCACGCCTGTAATCCCAGCACTTTGGGAGGCCGAGGCGGGTGGATCATGAGGACANNNNNNNNNNAAAAAAAAAAAAAAAAAAAAAAGAGTGAAGAAGAT, p.Asn124delinsGlyArgAlaArgTrpLeuThrProValIleProAlaLeuTrpGluAlaGluAlaGlyGlySerTer (NM_001406797.1, NM_001406801.1, NM_001406805.1 and 10 more transcripts); c.588_589insGGCCGGGCGCGGTGGCTCACGCCTGTAATCCCAGCACTTTGGGAGGCCGAGGCGGGTGGATCATGAGGACANNNNNNNNNNAAAAAAAAAAAAAAAAAAAAAAGAGTGAAGAAGAT, p.Asn197delinsGlyArgAlaArgTrpLeuThrProValIleProAlaLeuTrpGluAlaGluAlaGlyGlySerTer (NM_001406804.1); and 2 more.
Identifiers: ClinVar variation 3633451 (VCV003633451.2).